The following is an entry in ClinVar:

NM_001128840.3(CACNA1D):c.3849C>A (p.Asp1283Glu)

Gene: CACNA1D (calcium voltage-gated channel subunit alpha1 D; plus strand). Cytogenetic location: 3p21.1.
Variant type: single nucleotide variant.
Coding change: c.3849C>A on transcript NM_001128840.3 (MANE Select); coding-DNA position 3849, C replaced by A.
Protein change: p.Asp1283Glu; replaces aspartic acid 1283 with glutamic acid.
Molecular consequence: missense variant.
Genome position (GRCh38, 1-based): chr3:53,762,060, C>A. VCF-style: chr3-53762060-C-A. GRCh37 (hg19) VCF-style: chr3-53796087-C-A.
Other names: c.3909C>A, p.Asp1303Glu (NM_000720.4); c.3849C>A, p.Asp1283Glu (NM_001128839.3); short protein forms D1283E, D1303E.
Identifiers: ClinVar variation 3664964 (VCV003664964.2).

ClinVar aggregate classification (germline): Uncertain significance (1 of 4 stars; one submission).

Submission:

Labcorp Genetics (formerly Invitae), Labcorp
Classification: Uncertain significance. Last evaluated: 2024-12-19. Review status: criteria provided, single submitter. Criteria: Invitae Variant Classification Sherloc (09022015). Collection method: clinical testing. Allele origin: germline.
Comment: This sequence change replaces aspartic acid, which is acidic and polar, with glutamic acid, which is acidic and polar, at codon 1303 of the CACNA1D protein (p.Asp1303Glu). This variant is not present in population databases (gnomAD no frequency). This variant has not been reported in the literature in individuals affected with CACNA1D-related conditions. Invitae Evidence Modeling of protein sequence and biophysical properties (such as structural, functional, and spatial information, amino acid conservation, physicochemical variation, residue mobility, and thermodynamic stability) indicates that this missense variant is not expected to disrupt CACNA1D protein function with a negative predictive value of 80%. In summary, the available evidence is currently insufficient to determine the role of this variant in disease. Therefore, it has been classified as a Variant of Uncertain Significance.